The following is an entry in ClinVar:

ClinVar aggregate classification (germline): Pathogenic (1 of 4 stars; one submission).

Conditions:
Primary ciliary dyskinesia. Also called: Ciliary dyskinesia. Identifiers: Orphanet 244, MedGen C0008780, MONDO:0016575, HP:0012265.

Submission:

Labcorp Genetics (formerly Invitae), Labcorp
Classification: Pathogenic for Primary ciliary dyskinesia. Last evaluated: 2023-01-18. Review status: criteria provided, single submitter. Criteria: Invitae Variant Classification Sherloc (09022015). Collection method: clinical testing. Allele origin: germline.
Comment: This sequence change creates a premature translational stop signal (p.Cys3427Valfs*9) in the DNAH8 gene. It is expected to result in an absent or disrupted protein product. Loss-of-function variants in DNAH8 are known to be pathogenic (PMID: 24307375, 32619401, 32681648). This variant is not present in population databases (gnomAD no frequency). This variant has not been reported in the literature in individuals affected with DNAH8-related conditions. For these reasons, this variant has been classified as Pathogenic.

Literature cited by the submitters: PubMed 24307375; PubMed 32619401; PubMed 32681648.

NM_001206927.2(DNAH8):c.10279del (p.Cys3427fs)

Genes: DNAH8 (dynein axonemal heavy chain 8; plus strand), DNAH8-AS1 (DNAH8 antisense RNA 1; minus strand). Cytogenetic location: 6p21.2.
Variant type: Deletion.
Coding change: c.10279del on transcript NM_001206927.2 (MANE Select); coding-DNA position 10279, one base deleted (T; older notation c.10279delT).
Protein change: p.Cys3427fs; shifts the reading frame from cysteine 3427.
Molecular consequence: frameshift variant.
Genome position (GRCh38, 1-based): chr6:38,917,377, T deleted. VCF-style (leftmost placement, unchanged base first): chr6-38917376-CT-C. GRCh37 (hg19) VCF-style: chr6-38885152-CT-C.
Other names: c.9628del, p.Cys3210fs (NM_001371.4); short protein forms C3427fs, C3210fs.
Identifiers: ClinVar variation 2829941 (VCV002829941.3), dbSNP rs2533450264, ClinGen allele CA2739273036.